The following is an entry in ClinVar:

NM_005592.4(MUSK):c.538G>A (p.Val180Ile)

Gene: MUSK (muscle associated receptor tyrosine kinase; plus strand). Cytogenetic location: 9q31.3.
Variant type: single nucleotide variant.
Coding change: c.538G>A on transcript NM_005592.4 (MANE Select); coding-DNA position 538, G replaced by A.
Protein change: p.Val180Ile; replaces valine 180 with isoleucine.
Molecular consequence: missense variant.
Genome position (GRCh38, 1-based): chr9:110,697,376, G>A. VCF-style: chr9-110697376-G-A. GRCh37 (hg19) VCF-style: chr9-113459656-G-A.
Other names: c.538G>A, p.Val180Ile (NM_001166280.2, NM_001166281.2); short protein forms V180I.
Identifiers: ClinVar variation 914417 (VCV000914417.11), dbSNP rs1468498564, ClinGen allele CA374666292.

ClinVar aggregate classification (germline): Uncertain significance. Review status: criteria provided, multiple submitters, no conflicts (2 of 4 stars). 2 submissions from 2 submitters: Uncertain significance (2). Last evaluated 2024-12-31.

Conditions:
Congenital myasthenic syndrome 9. Also called: Myasthenic syndrome, congenital, 9, associated with acetylcholine receptor deficiency. Identifiers: Orphanet 590, MedGen C4225368, MONDO:0014587, OMIM 616325.
Fetal akinesia deformation sequence 1 (FADS1). Also called: Pena-Shokeir syndrome type I; Fetal akinesia sequence. Identifiers: Orphanet 994, MedGen C1276035, MONDO:0100101, OMIM 208150, HP:0001989.

Allele frequency attached by ClinVar (database versions not stated): gnomAD exomes below 0.00001; TOPMed below 0.00001; gnomAD 0.00001.
gnomAD v4.1: 8 of 1,612,846 alleles (0.0005%); highest among the groups gnomAD compares: Admixed American, 0.01%; no homozygotes.

Submissions (2):

Labcorp Genetics (formerly Invitae), Labcorp
Classification: Uncertain significance for Congenital myasthenic syndrome 9; Fetal akinesia deformation sequence 1. Last evaluated: 2024-12-31. Review status: criteria provided, single submitter. Criteria: Invitae Variant Classification Sherloc (09022015). Collection method: clinical testing. Allele origin: germline.
Comment: This sequence change replaces valine, which is neutral and non-polar, with isoleucine, which is neutral and non-polar, at codon 180 of the MUSK protein (p.Val180Ile). The frequency data for this variant in the population databases is considered unreliable, as metrics indicate poor data quality at this position in the gnomAD database. This variant has not been reported in the literature in individuals affected with MUSK-related conditions. ClinVar contains an entry for this variant (Variation ID: 914417). Invitae Evidence Modeling of protein sequence and biophysical properties (such as structural, functional, and spatial information, amino acid conservation, physicochemical variation, residue mobility, and thermodynamic stability) indicates that this missense variant is not expected to disrupt MUSK protein function with a negative predictive value of 80%. In summary, the available evidence is currently insufficient to determine the role of this variant in disease. Therefore, it has been classified as a Variant of Uncertain Significance.

Illumina Laboratory Services, Illumina
Classification: Uncertain significance for Congenital myasthenic syndrome 9. Last evaluated: 2018-01-13. Review status: criteria provided, single submitter. Criteria: ICSL Variant Classification Criteria 13 December 2019. Collection method: clinical testing. Allele origin: germline.